The following is an entry in ClinVar:

ClinVar aggregate classification (germline): Pathogenic (1 of 4 stars; one submission).

Conditions:
Hereditary breast ovarian cancer syndrome. Also called: Hereditary breast and ovarian cancer syndrome (HBOC); Hereditary breast and ovarian cancer syndrome; Breast and ovarian cancer; Hereditary breast and/or ovarian cancer syndrome; Hereditary breast and ovarian cancer; BRCA1- and BRCA2-Associated Hereditary Breast and Ovarian Cancer. Identifiers: Orphanet 145, MedGen C0677776, MeSH D061325, MONDO:0003582. Disease mechanism: loss of function.

Submission:

Labcorp Genetics (formerly Invitae), Labcorp
Classification: Pathogenic for Hereditary breast ovarian cancer syndrome. Last evaluated: 2017-05-04. Review status: criteria provided, single submitter. Criteria: Invitae Variant Classification Sherloc (09022015). Collection method: clinical testing. Allele origin: germline.
Comment: For these reasons, this variant has been classified as Pathogenic. While this particular variant has not been reported in the literature, loss-of-function variants in BRCA1 are known to be pathogenic (PMID: 20104584). This sequence change deletes 1 nucleotide from exon 10 of the BRCA1 mRNA (c.2228delA), causing a frameshift at codon 743. This creates a premature translational stop signal (p.Asn743Metfs*10) and is expected to result in an absent or disrupted protein product.

Literature cited by the submitters: PubMed 20104584.

NM_007294.4(BRCA1):c.2228del (p.Asn743fs)

Gene: BRCA1 (BRCA1 DNA repair associated; minus strand). Cytogenetic location: 17q21.31.
Variant type: Deletion.
Coding change: c.2228del on transcript NM_007294.4 (MANE Select); coding-DNA position 2228, one base deleted (A; older notation c.2228delA).
Protein change: p.Asn743fs; shifts the reading frame from asparagine 743.
Molecular consequence: frameshift variant. On other transcripts: intron variant (137).
Genome position (GRCh38, 1-based): chr17:43,093,303, T deleted on the plus strand (A on the coding strand, the reverse complement: BRCA1 is on the minus strand); the first of 2 consecutive T bases (chr17:43,093,303-43,093,304); deleting either gives the same sequence. VCF-style (leftmost placement, unchanged base first): chr17-43093302-AT-A. GRCh37 (hg19) VCF-style: chr17-41245319-AT-A.
Other names: c.2105del, p.Asn702fs (NM_001407648.1, NM_001407919.1, NM_001407937.1 and 19 more transcripts); c.2150del, p.Asn717fs (NM_001407656.1, NM_001407653.1, NM_001407655.1 and 4 more transcripts); c.2228del, p.Asn743fs (NM_001407652.1, NM_007300.4, NM_001407581.1 and 30 more transcripts); c.2102del, p.Asn701fs (NM_001407649.1, NM_001407940.1, NM_001407941.1 and 11 more transcripts); c.671-2271del (NM_001408422.1, NM_001408423.1, NM_001408420.1 and 2 more transcripts); c.577+1441del (NM_001408484.1, NM_001408478.1, NM_001408481.1 and 9 more transcripts); c.661+1441del (NM_001408450.1, NM_001408434.1, NM_001408446.1 and 6 more transcripts); c.784+1441del (NM_001408398.1, NM_001408397.1, NM_001408401.1 and 13 more transcripts); and 42 more; short protein forms N696fs, N743fs, N616fs, N676fs, N695fs, N701fs, N716fs, N717fs.
Identifiers: ClinVar variation 462578 (VCV000462578.10), dbSNP rs1555590121, ClinGen allele CA658656729.